The following is an entry in ClinVar:

ClinVar aggregate classification (germline): Likely pathogenic (1 of 4 stars; one submission).

Submission:

GeneDx
Classification: Likely pathogenic. Last evaluated: 2024-12-16. Review status: criteria provided, single submitter. Criteria: GeneDx Variant Classification Process June 2021. Collection method: clinical testing. Allele origin: germline. Affected: yes.
Comment: Not observed at significant frequency in large population cohorts (gnomAD); In silico analysis supports that this missense variant has a deleterious effect on protein structure/function; Has not been previously published as pathogenic or benign to our knowledge

NM_001349338.3(FOXP1):c.1573C>G (p.Arg525Gly)

Gene: FOXP1 (forkhead box P1; minus strand). Cytogenetic location: 3p13.
Variant type: single nucleotide variant.
Coding change: c.1573C>G on transcript NM_001349338.3 (MANE Select); coding-DNA position 1573, C replaced by G.
Protein change: p.Arg525Gly; replaces arginine 525 with glycine.
Molecular consequence: missense variant. On other transcripts: non-coding transcript variant (2), intron variant (1).
Genome position (GRCh38, 1-based): chr3:70,972,634, G>C on the plus strand (C>G on the coding strand, the complement: FOXP1 is on the minus strand). VCF-style: chr3-70972634-G-C. GRCh37 (hg19) VCF-style: chr3-71021785-G-C.
Other names: c.1570C>G, p.Arg524Gly (NM_001244808.3, NM_001349341.3); c.1345C>G, p.Arg449Gly (NM_001244812.3); c.1273C>G, p.Arg425Gly (NM_001244813.3, NM_001244815.2, NM_001349342.3); c.1573C>G, p.Arg525Gly (NM_001244814.3, NM_001244816.2, NM_001349340.3 and 1 more transcripts); c.1270C>G, p.Arg424Gly (NM_001349337.2, NM_001349343.3, NM_001349344.3 and 1 more transcripts); c.1531-454C>G (NM_001244810.2); short protein forms R424G, R425G, R449G, R524G, R525G.
Identifiers: ClinVar variation 3906476 (VCV003906476.1).